The following is an entry in ClinVar:

NM_005120.3(MED12):c.4684C>T (p.Leu1562=)

Gene: MED12 (mediator complex subunit 12; plus strand). Cytogenetic location: Xq13.1.
Variant type: single nucleotide variant.
Coding change: c.4684C>T on transcript NM_005120.3 (MANE Select); coding-DNA position 4684, C replaced by T.
Protein change: p.Leu1562=; no amino-acid change (leucine 1562 retained).
Molecular consequence: synonymous variant.
Genome position (GRCh38, 1-based): chrX:71,134,423, C>T. VCF-style: chrX-71134423-C-T. GRCh37 (hg19) VCF-style: chrX-70354273-C-T.
Other names: c.4684C>T (NM_005120.2).
Identifiers: ClinVar variation 2660848 (VCV002660848.26), dbSNP rs2519706389, ClinGen allele CA516726520.

ClinVar aggregate classification (germline): Conflicting classifications of pathogenicity. Review status: criteria provided, conflicting classifications (1 of 4 stars). 3 submissions from 3 submitters: Uncertain significance (1); Likely benign (2). Last evaluated 2025-10-01.

Conditions:
Familial thoracic aortic aneurysm and aortic dissection (TAAD). Also called: Thoracic aortic aneurysms and dissections. Identifiers: Orphanet 91387, MedGen C4707243, MONDO:0019625.
FG syndrome (FGS). Identifiers: MedGen C0220769, MONDO:0002010.

Allele frequency attached by ClinVar (database versions not stated): gnomAD exomes below 0.00001.
gnomAD v4.1: 2 of 1,168,003 alleles (0.00017%); highest among the groups gnomAD compares: Non-Finnish European, 0.00023%; no homozygotes.

Submissions (3):

Ambry Genetics
Classification: Likely benign for Familial thoracic aortic aneurysm and aortic dissection. Last evaluated: 2025-10-01. Review status: criteria provided, single submitter. Criteria: Ambry Variant Classification Scheme 2023. Collection method: clinical testing. Allele origin: germline.

Labcorp Genetics (formerly Invitae), Labcorp
Classification: Likely benign for FG syndrome. Last evaluated: 2024-10-30. Review status: criteria provided, single submitter. Criteria: Invitae Variant Classification Sherloc (09022015). Collection method: clinical testing. Allele origin: germline.

CeGaT Center for Human Genetics Tuebingen
Classification: Uncertain significance. Last evaluated: 2022-07-01. Review status: criteria provided, single submitter. Criteria: CeGaT Center For Human Genetics Tuebingen Variant Classification Criteria Version 2. Collection method: clinical testing. Allele origin: germline. Affected: yes. Observed: 1 variant allele.
Comment: MED12: PM2:Supporting, BP4